The following is an entry in ClinVar:

ClinVar aggregate classification (germline): Benign. Review status: criteria provided, multiple submitters, no conflicts (2 of 4 stars). 3 submissions from 3 submitters: Benign (3). Last evaluated 2019-12-31.

Conditions:
Monogenic diabetes. Identifiers: Orphanet 183625, MedGen C3888631, MONDO:0015967.

Allele frequency attached by ClinVar (database versions not stated): 1000 Genomes Project 0.01038; 1000 Genomes Project 30x 0.01093; ESP Exome Variant Server 0.00869; gnomAD 0.00780 and 0.00826; TOPMed 0.00847.
gnomAD v4.1: 2,286 of 1,613,954 alleles (0.14%); highest among the groups gnomAD compares: African/African-American, 2.6%; 32 homozygotes.

Submissions (5):

Labcorp Genetics (formerly Invitae), Labcorp
Classification: Benign. Last evaluated: 2019-12-31. Review status: criteria provided, single submitter. Criteria: Invitae Variant Classification Sherloc (09022015). Collection method: clinical testing. Allele origin: germline.

Personalized Diabetes Medicine Program, University of Maryland School of Medicine
Classification: Benign for Monogenic diabetes. Last evaluated: 2019-02-08. Review status: criteria provided, single submitter. Criteria: ACMG Guidelines, 2015. Collection method: research. Allele origin: unknown. Observed: 8 variant alleles, 7 heterozygotes, 1 homozygote.
Comment: ACMG criteria: BP4 (REVEL 0.073 + 7 predictors), BP5 (found in case with alternate cause), BA1 (2.5% MAF in gnomAD African)= benign

Breakthrough Genomics
Classification: Benign. Review status: criteria provided, single submitter. Criteria: ACMG Guidelines, 2015. Collection method: not provided. Allele origin: germline. Inheritance: Autosomal dominant inheritance. Affected: yes.

Dr. Peter K. Rogan Lab, Western University
No classification provided (evidence only). Condition: Uterine corpus endometrial carcinoma. Review status: no classification provided. Collection method: in vitro. Allele origin: not applicable. Functional consequence: retained intron. Not counted in ClinVar's aggregate classification.

Dr. Peter K. Rogan Lab, Western University
No classification provided (evidence only). Condition: Uterine corpus endometrial carcinoma. Review status: no classification provided. Collection method: in vitro. Allele origin: not applicable. Functional consequence: retained intron. Not counted in ClinVar's aggregate classification.

NM_002666.5(PLIN1):c.692G>T (p.Arg231Leu)

Gene: PLIN1 (perilipin 1; minus strand). Cytogenetic location: 15q26.1.
Variant type: single nucleotide variant.
Coding change: c.692G>T on transcript NM_002666.5 (MANE Select); coding-DNA position 692, G replaced by T.
Protein change: p.Arg231Leu; replaces arginine 231 with leucine.
Molecular consequence: missense variant.
Genome position (GRCh38, 1-based): chr15:89,669,579, C>A on the plus strand (G>T on the coding strand, the complement: PLIN1 is on the minus strand). VCF-style: chr15-89669579-C-A. GRCh37 (hg19) VCF-style: chr15-90212810-C-A.
Other names: NC_000015.9:g.90212810C>A; c.692G>T, p.Arg231Leu (NM_001145311.2); short protein forms R231L.
Identifiers: ClinVar variation 393438 (VCV000393438.9), dbSNP rs114583540, ClinGen allele CA7728973.